The following is an entry in ClinVar:

NM_005359.6(SMAD4):c.294C>G (p.Leu98=)

Gene: SMAD4 (SMAD family member 4; plus strand). Cytogenetic location: 18q21.2.
Variant type: single nucleotide variant.
Coding change: c.294C>G on transcript NM_005359.6 (MANE Select); coding-DNA position 294, C replaced by G.
Protein change: p.Leu98=; no amino-acid change (leucine 98 retained).
Molecular consequence: synonymous variant.
Genome position (GRCh38, 1-based): chr18:51,048,730, C>G. VCF-style: chr18-51048730-C-G. GRCh37 (hg19) VCF-style: chr18-48575100-C-G.
Identifiers: ClinVar variation 928357 (VCV000928357.4), dbSNP rs202126703, ClinGen allele CA503873567.

ClinVar aggregate classification (germline): Benign/Likely benign. Review status: criteria provided, multiple submitters, no conflicts (2 of 4 stars). 3 submissions from 3 submitters: Benign (1); Likely benign (2). Last evaluated 2025-03-18.

Conditions:
Familial thoracic aortic aneurysm and aortic dissection (TAAD). Also called: Thoracic aortic aneurysms and dissections. Identifiers: Orphanet 91387, MedGen C4707243, MONDO:0019625.
Hereditary cancer-predisposing syndrome. Also called: Neoplastic Syndromes, Hereditary; Hereditary neoplastic syndrome; Tumor predisposition; Hereditary Cancer Syndrome. Identifiers: Orphanet 140162, MedGen C0027672, MeSH D009386, MONDO:0015356.
Juvenile polyposis/hereditary hemorrhagic telangiectasia syndrome (JPHT). Also called: POLYPOSIS, GENERALIZED JUVENILE, WITH PULMONARY ARTERIOVENOUS MALFORMATION; TELANGIECTASIA, HEREDITARY HEMORRHAGIC, WITH JUVENILE POLYPOSIS COLI; Juvenile Polyposis Syndrome / Hereditary Hemorrhagic Telangiectasia (JPS/HHT); JP/HHT SYNDROME; JUVENILE POLYPOSIS WITH HEREDITARY HEMORRHAGIC TELANGIECTASIA. Identifiers: Orphanet 2929, MedGen C1832942, MONDO:0008278, OMIM 175050.

gnomAD v4.1: 1 of 1,614,048 alleles (0.000062%); highest among the groups gnomAD compares: South Asian, 0.0011%; no homozygotes.

Submissions (3):

Myriad Genetics, Inc.
Classification: Benign for Juvenile polyposis/hereditary hemorrhagic telangiectasia syndrome. Last evaluated: 2025-03-18. Review status: criteria provided, single submitter. Criteria: Myriad Autosomal Dominant, Autosomal Recessive and X-Linked Classification Criteria (2023). Collection method: clinical testing. Allele origin: unknown.
Comment: This variant is considered benign. This variant is a silent/synonymous amino acid change, and it is not expected to impact splicing.

Ambry Genetics
Classification: Likely benign for Hereditary cancer-predisposing syndrome; Familial thoracic aortic aneurysm and aortic dissection. Last evaluated: 2023-03-25. Review status: criteria provided, single submitter. Criteria: Ambry Variant Classification Scheme 2023. Collection method: clinical testing. Allele origin: germline.

Color Diagnostics, LLC DBA Color Health
Classification: Likely benign for Hereditary cancer-predisposing syndrome. Last evaluated: 2018-12-03. Review status: criteria provided, single submitter. Criteria: ACMG Guidelines, 2015. Collection method: clinical testing. Allele origin: germline.